The following is an entry in ClinVar:

NM_001206927.2(DNAH8):c.4327C>A (p.Pro1443Thr)

Gene: DNAH8 (dynein axonemal heavy chain 8; plus strand). Cytogenetic location: 6p21.2.
Variant type: single nucleotide variant.
Coding change: c.4327C>A on transcript NM_001206927.2 (MANE Select); coding-DNA position 4327, C replaced by A.
Protein change: p.Pro1443Thr; replaces proline 1443 with threonine.
Molecular consequence: missense variant.
Genome position (GRCh38, 1-based): chr6:38,834,603, C>A. VCF-style: chr6-38834603-C-A. GRCh37 (hg19) VCF-style: chr6-38802379-C-A.
Other names: c.3676C>A, p.Pro1226Thr (NM_001371.4); short protein forms P1443T, P1226T.
Identifiers: ClinVar variation 1440848 (VCV001440848.7), dbSNP rs536307444, ClinGen allele CA137563208.

ClinVar aggregate classification (germline): Uncertain significance (1 of 4 stars; one submission).

Conditions:
Primary ciliary dyskinesia. Also called: Ciliary dyskinesia. Identifiers: Orphanet 244, MedGen C0008780, MONDO:0016575, HP:0012265.

Allele frequency attached by ClinVar (database versions not stated): gnomAD exomes below 0.00001; gnomAD 0.00001; 1000 Genomes Project 30x 0.00016; 1000 Genomes Project 0.00020.
gnomAD v4.1: 6 of 1,603,688 alleles (0.00037%); highest among the groups gnomAD compares: Admixed American, 0.0085%; no homozygotes.

Submission:

Labcorp Genetics (formerly Invitae), Labcorp
Classification: Uncertain significance for Primary ciliary dyskinesia. Last evaluated: 2021-03-29. Review status: criteria provided, single submitter. Criteria: Invitae Variant Classification Sherloc (09022015). Collection method: clinical testing. Allele origin: germline.
Comment: In summary, the available evidence is currently insufficient to determine the role of this variant in disease. Therefore, it has been classified as a Variant of Uncertain Significance. Algorithms developed to predict the effect of missense changes on protein structure and function are either unavailable or do not agree on the potential impact of this missense change (SIFT: "Deleterious"; PolyPhen-2: "Not Available"; Align-GVGD: "Class C0"). This variant has not been reported in the literature in individuals with DNAH8-related conditions. This variant is not present in population databases (ExAC no frequency). This sequence change replaces proline with threonine at codon 1443 of the DNAH8 protein (p.Pro1443Thr). The proline residue is moderately conserved and there is a small physicochemical difference between proline and threonine.